The following is an entry in ClinVar:

ClinVar aggregate classification (germline): Uncertain significance. Review status: criteria provided, multiple submitters, no conflicts (2 of 4 stars). 4 submissions from 4 submitters: Uncertain significance (4). Last evaluated 2025-09-23.

Conditions:
Hereditary cancer-predisposing syndrome. Also called: Hereditary neoplastic syndrome; Neoplastic Syndromes, Hereditary; Tumor predisposition; Hereditary Cancer Syndrome. Identifiers: Orphanet 140162, MedGen C0027672, MeSH D009386, MONDO:0015356.
Carney-Stratakis syndrome. Also called: PARAGANGLIOMA AND GASTROINTESTINAL STROMAL TUMOR. Identifiers: Orphanet 97286, MedGen C1847319, MONDO:0011740, OMIM 606864.
Pheochromocytoma. Also called: MAX-Related Hereditary Paraganglioma-Pheochromocytoma Syndrome. Identifiers: Orphanet 29072, MedGen C0031511, MONDO:0008233, OMIM 171300, HP:0002666.
Cowden syndrome 3 (CWS3). Identifiers: Orphanet 201, MedGen CN166604, MONDO:0014045.
Paragangliomas with sensorineural hearing loss. Identifiers: MedGen C1868633.
Hereditary pheochromocytoma and paraganglioma. Also called: Hereditary paragangliomas and pheochromocytomas; Hereditary Paraganglioma-Pheochromocytoma Syndromes; Hereditary pheochromocytoma-paraganglioma. Identifiers: Orphanet 29072, MedGen C4274332, MONDO:0017366.

Submissions (4):

Color Diagnostics, LLC DBA Color Health
Classification: Uncertain significance for Hereditary pheochromocytoma and paraganglioma. Last evaluated: 2025-09-23. Review status: criteria provided, single submitter. Criteria: ACMG Guidelines, 2015. Collection method: clinical testing. Allele origin: germline.
Comment: This missense variant replaces leucine with phenylalanine at codon 76 of the SDHD protein. Computational prediction suggests that this variant may have deleterious impact on protein structure and function. To our knowledge, functional studies have not been reported for this variant. This variant has not been reported in individuals affected with SDHD-related disorders in the literature. This variant has not been identified in the general population by the Genome Aggregation Database (gnomAD). The available evidence is insufficient to determine the role of this variant in disease conclusively. Therefore, this variant is classified as a Variant of Uncertain Significance.

Blueprint Genetics
Classification: Uncertain significance. Last evaluated: 2024-10-22. Review status: criteria provided, single submitter. Criteria: ACMG Guidelines, 2015. Collection method: clinical testing. Allele origin: germline.

Labcorp Genetics (formerly Invitae), Labcorp
Classification: Uncertain significance for Carney-Stratakis syndrome; Paragangliomas with sensorineural hearing loss; Pheochromocytoma; Cowden syndrome 3. Last evaluated: 2024-04-29. Review status: criteria provided, single submitter. Criteria: Invitae Variant Classification Sherloc (09022015). Collection method: clinical testing. Allele origin: germline.
Comment: This sequence change replaces leucine, which is neutral and non-polar, with phenylalanine, which is neutral and non-polar, at codon 76 of the SDHD protein (p.Leu76Phe). This variant is not present in population databases (gnomAD no frequency). This variant has not been reported in the literature in individuals affected with SDHD-related conditions. ClinVar contains an entry for this variant (Variation ID: 1023801). Advanced modeling of protein sequence and biophysical properties (such as structural, functional, and spatial information, amino acid conservation, physicochemical variation, residue mobility, and thermodynamic stability) has been performed at Invitae for this missense variant, however the output from this modeling did not meet the statistical confidence thresholds required to predict the impact of this variant on SDHD protein function. In summary, the available evidence is currently insufficient to determine the role of this variant in disease. Therefore, it has been classified as a Variant of Uncertain Significance.

Ambry Genetics
Classification: Uncertain significance for Hereditary cancer-predisposing syndrome. Last evaluated: 2023-06-08. Review status: criteria provided, single submitter. Criteria: Ambry Variant Classification Scheme 2023. Collection method: clinical testing. Allele origin: germline.
Comment: The p.L76F variant (also known as c.226C>T), located in coding exon 3 of the SDHD gene, results from a C to T substitution at nucleotide position 226. The leucine at codon 76 is replaced by phenylalanine, an amino acid with highly similar properties. This amino acid position is conserved. In addition, this alteration is predicted to be deleterious by in silico analysis. Since supporting evidence is limited at this time, the clinical significance of this alteration remains unclear.

NM_003002.4(SDHD):c.226C>T (p.Leu76Phe)

Gene: SDHD (succinate dehydrogenase complex subunit D; plus strand). Cytogenetic location: 11q23.1.
Variant type: single nucleotide variant.
Coding change: c.226C>T on transcript NM_003002.4 (MANE Select); coding-DNA position 226, C replaced by T.
Protein change: p.Leu76Phe; replaces leucine 76 with phenylalanine.
Molecular consequence: missense variant. On other transcripts: non-coding transcript variant (1), intron variant (1).
Genome position (GRCh38, 1-based): chr11:112,088,923, C>T. VCF-style: chr11-112088923-C-T. GRCh37 (hg19) VCF-style: chr11-111959647-C-T.
Other names: c.109C>T, p.Leu37Phe (NM_001276504.2); c.226C>T, p.Leu76Phe (NM_001276506.2); c.169+950C>T (NM_001276503.2); c.226C>T (NM_003002.2); short protein forms L37F, L76F.
Identifiers: ClinVar variation 1023801 (VCV001023801.14), dbSNP rs1865687801, ClinGen allele CA382617268.